The following is an entry in ClinVar:

NM_001009944.3(PKD1):c.8645G>A (p.Trp2882Ter)

Gene: PKD1 (polycystin 1, transient receptor potential channel interacting; minus strand). Cytogenetic location: 16p13.3.
Variant type: single nucleotide variant.
Coding change: c.8645G>A on transcript NM_001009944.3 (MANE Select); coding-DNA position 8645, G replaced by A.
Protein change: p.Trp2882Ter; replaces tryptophan 2882 with a stop codon.
Molecular consequence: nonsense.
Genome position (GRCh38, 1-based): chr16:2,103,412, C>T on the plus strand (G>A on the coding strand, the complement: PKD1 is on the minus strand). VCF-style: chr16-2103412-C-T. GRCh37 (hg19) VCF-style: chr16-2153413-C-T.
Other names: c.8645G>A, p.Trp2882Ter (NM_000296.4); short protein forms W2882*.
Identifiers: ClinVar variation 1805462 (VCV001805462.4), dbSNP rs2544742591, ClinGen allele CA394362570.

ClinVar aggregate classification (germline): Pathogenic. Review status: criteria provided, multiple submitters, no conflicts (2 of 4 stars). 3 submissions from 3 submitters: Pathogenic (3). Last evaluated 2025-04-03.

Conditions:
PKD1-Biallelic Autosomal Recessive Polycystic Kidney Disease.
Polycystic kidney disease, adult type (PKD1). Also called: Polycystic Kidney Disease 1, Autosomal Dominant; Polycystic kidney disease 1; Polycystic kidney disease 1, severe; Polycystic Kidney, Autosomal Dominant; POLYCYSTIC KIDNEY DISEASE 1 WITH OR WITHOUT POLYCYSTIC LIVER DISEASE; POLYCYSTIC KIDNEY DISEASE, ADULT, TYPE I. Identifiers: MedGen C3149841, MONDO:0008263, OMIM 173900.

Submissions (3):

Women's Health and Genetics/Laboratory Corporation of America, LabCorp
Classification: Pathogenic for PKD1-Biallelic Autosomal Recessive Polycystic Kidney Disease. Last evaluated: 2025-04-03. Review status: criteria provided, single submitter. Criteria: LabCorp Variant Classification Summary - May 2015. Collection method: clinical testing. Allele origin: germline.
Comment: Variant summary: PKD1 c.8645G>A (p.Trp2882X) results in a premature termination codon, predicted to cause a truncation of the encoded protein or absence of the protein due to nonsense mediated decay, which are commonly known mechanisms for disease. The variant was absent in 233310 control chromosomes (gnomAD). To our knowledge, no occurrence of c.8645G>A in individuals affected with PKD1-Biallelic Autosomal Recessive Polycystic Kidney Disease and no experimental evidence demonstrating its impact on protein function have been reported. ClinVar contains an entry for this variant (Variation ID: 1805462). Based on the evidence outlined above, the variant was classified as pathogenic.

Fulgent Genetics
Classification: Pathogenic for Polycystic kidney disease, adult type. Last evaluated: 2024-01-08. Review status: criteria provided, single submitter. Criteria: ACMG Guidelines, 2015. Collection method: clinical testing. Allele origin: germline.

Victorian Clinical Genetics Services, Murdoch Childrens Research Institute
Classification: Pathogenic for Polycystic kidney disease, adult type. Last evaluated: 2022-03-31. Review status: criteria provided, single submitter. Criteria: ACMG Guidelines, 2015. Collection method: clinical testing. Allele origin: germline. Inheritance: Autosomal dominant inheritance.
Comment: Based on the classification scheme VCGS_Germline_v1.3.4, this variant is classified as Pathogenic. Following criteria are met: 0102 - Loss of function is a known mechanism of disease in this gene and is associated with polycystic kidney disease 1 (MIM#173900). (I) 0107 - This gene is associated with autosomal dominant disease. Polycystic kidney disease 1 (MIM#173900) is predominantly caused by monoallelic variants, with rare reports of biallelic variants causing disease (OMIM). (I) 0201 - Variant is predicted to cause nonsense-mediated decay (NMD) and loss of protein (premature termination codon is located at least 54 nucleotides upstream of the final exon-exon junction). (SP) 0251 - This variant is heterozygous. (I) 0301 - Variant is absent from gnomAD (both v2 and v3). (SP) 0701 - Other null variants comparable to the one identified in this case have very strong previous evidence for pathogenicity. There are at least ten NMD-predicted variants that have been classified as likely pathogenic or pathogenic (DECIPHER). (SP) 0807 - This variant has no previous evidence of pathogenicity. (I) 0905 - No published segregation evidence has been identified for this variant. (I) 1007 - No published functional evidence has been identified for this variant. (I) 1208 - Inheritance information for this variant is not currently available in this individual. (I) Legend: (SP) - Supporting pathogenic, (I) - Information, (SB) - Supporting benign